The following is an entry in ClinVar:

ClinVar aggregate classification (germline): Uncertain significance. Review status: criteria provided, multiple submitters, no conflicts (2 of 4 stars). 2 submissions from 2 submitters: Uncertain significance (2). Last evaluated 2019-09-25.

Conditions:
Cardiovascular phenotype. Identifiers: MedGen CN230736.

Submissions (2):

GeneDx
Classification: Uncertain significance. Last evaluated: 2019-09-25. Review status: criteria provided, single submitter. Criteria: GeneDx Variant Classification Process June 2021. Collection method: clinical testing. Allele origin: germline. Affected: yes.
Comment: Has not been previously published as pathogenic or benign to our knowledge; Not observed in large population cohorts (Lek et al., 2016); In silico analysis, which includes protein predictors and evolutionary conservation, supports that this variant does not alter protein structure/function

Ambry Genetics
Classification: Uncertain significance for Cardiovascular phenotype. Last evaluated: 2018-12-20. Review status: criteria provided, single submitter. Criteria: Ambry Variant Classification Scheme 2023. Collection method: clinical testing. Allele origin: germline.
Comment: The p.S260R variant (also known as c.780C>G), located in coding exon 6 of the VCL gene, results from a C to G substitution at nucleotide position 780. The serine at codon 260 is replaced by arginine, an amino acid with dissimilar properties. This amino acid position is not well conserved in available vertebrate species. In addition, this alteration is predicted to be tolerated by in silico analysis. Since supporting evidence is limited at this time, the clinical significance of this alteration remains unclear.

NM_014000.3(VCL):c.780C>G (p.Ser260Arg)

Gene: VCL (vinculin; plus strand). Cytogenetic location: 10q22.2.
Variant type: single nucleotide variant.
Coding change: c.780C>G on transcript NM_014000.3 (MANE Select); coding-DNA position 780, C replaced by G.
Protein change: p.Ser260Arg; replaces serine 260 with arginine.
Molecular consequence: missense variant.
Genome position (GRCh38, 1-based): chr10:74,074,900, C>G. VCF-style: chr10-74074900-C-G. GRCh37 (hg19) VCF-style: chr10-75834658-C-G.
Other names: c.780C>G, p.Ser260Arg (NM_003373.4); short protein forms S260R.
Identifiers: ClinVar variation 1304883 (VCV001304883.4), dbSNP rs774377548, ClinGen allele CA377268658.